The following is an entry in ClinVar:

ClinVar aggregate classification (germline): Likely benign (1 of 4 stars; one submission).

Allele frequency attached by ClinVar (database versions not stated): gnomAD exomes below 0.00001; TOPMed 0.00002.
gnomAD v4.1: 8 of 1,492,594 alleles (0.00054%); highest among the groups gnomAD compares: African/African-American, 0.01%; no homozygotes.

Submission:

GeneDx
Classification: Likely benign. Last evaluated: 2017-05-22. Review status: criteria provided, single submitter. Criteria: GeneDx Variant Classification (06012015). Collection method: clinical testing. Allele origin: germline. Affected: yes.
Comment: This variant is considered likely benign or benign based on one or more of the following criteria: it is a conservative change, it occurs at a poorly conserved position in the protein, it is predicted to be benign by multiple in silico algorithms, and/or has population frequency not consistent with disease.

NM_006231.4(POLE):c.-18G>A

Genes: POLE (DNA polymerase epsilon, catalytic subunit; minus strand), LOC130009266 (ATAC-STARR-seq lymphoblastoid silent region 5123; plus strand). Cytogenetic location: 12q24.33.
Variant type: single nucleotide variant.
Coding change: c.-18G>A on transcript NM_006231.4 (MANE Select); 18 bases upstream of the start codon, G replaced by A.
Molecular consequence: 5 prime UTR variant.
Genome position (GRCh38, 1-based): chr12:132,687,333, C>T on the plus strand (G>A on the coding strand, the complement: POLE is on the minus strand). VCF-style: chr12-132687333-C-T. GRCh37 (hg19) VCF-style: chr12-133263919-C-T.
Identifiers: ClinVar variation 509744 (VCV000509744.1), dbSNP rs1265970870, ClinGen allele CA658798005.